The following is an entry in ClinVar:

ClinVar aggregate classification (germline): Likely pathogenic. Review status: criteria provided, single submitter (1 of 4 stars). 2 submissions from 2 submitters: Likely pathogenic (1). 1 of the submissions does not count toward it. Last evaluated 2020-09-10.

Conditions:
Neurodevelopmental disorder with relative macrocephaly and with or without cardiac or endocrine anomalies. Also called: Nabais Sa-de Vries syndrome, type 2. Identifiers: Orphanet 662175, MedGen C5394221, MONDO:0032943, OMIM 618829.

Submissions (2):

SIB Swiss Institute of Bioinformatics
Classification: Likely pathogenic for Neurodevelopmental disorder with relative macrocephaly and with or without cardiac or endocrine anomalies. Last evaluated: 2020-09-10. Review status: criteria provided, single submitter. Criteria: ACMG Guidelines, 2015. Collection method: curation. Allele origin: unknown.
Comment: This variant is interpreted as likely pathogenic for Nabais Sa-de Vries syndrome 2, autosomal dominant. The following ACMG Tag(s) were applied: Absent from controls (or at extremely low frequency if recessive) in Exome Sequencing Project, 1000 Genomes Project, or Exome Aggregation Consortium (PM2); De novo (paternity and maternity confirmed) (PS2); Missense variant in a gene that has a low rate of benign missense variation and in which missense variants are a common mechanism of disease (PP2). Well-established functional studies show a deleterious effect (PS3 downgraded to supporting).

OMIM
Classification: Pathogenic for NABAIS SA-DE VRIES SYNDROME, TYPE 2. Last evaluated: 2020-05-01. Review status: no assertion criteria provided. Collection method: literature only. Allele origin: unknown. Not counted in ClinVar's aggregate classification.

Literature cited by the submitters: PubMed 32109420 (cited by SIB Swiss Institute of Bioinformatics and OMIM).

NM_001007228.2(SPOP):c.248A>G (p.Tyr83Cys)

Gene: SPOP (speckle type BTB/POZ protein; minus strand). Cytogenetic location: 17q21.33.
Variant type: single nucleotide variant.
Coding change: c.248A>G on transcript NM_001007228.2 (MANE Select); coding-DNA position 248, A replaced by G.
Protein change: p.Tyr83Cys; replaces tyrosine 83 with cysteine.
Molecular consequence: missense variant.
Genome position (GRCh38, 1-based): chr17:49,619,338, T>C on the plus strand (A>G on the coding strand, the complement: SPOP is on the minus strand). VCF-style: chr17-49619338-T-C. GRCh37 (hg19) VCF-style: chr17-47696700-T-C.
Other names: c.248A>G, p.Tyr83Cys (NM_001007226.1, NM_001007227.1, NM_001007229.1 and 5 more transcripts); short protein forms Y83C.
Identifiers: ClinVar variation 830360 (VCV000830360.4), dbSNP rs2072168176, ClinGen allele CA400157037.